The following is an entry in ClinVar:

ClinVar aggregate classification (germline): Uncertain significance (1 of 4 stars; one submission).

Conditions:
Inborn genetic diseases. Identifiers: MedGen C0950123, MeSH D030342.

Submission:

Ambry Genetics
Classification: Uncertain significance for Inborn genetic diseases. Last evaluated: 2025-08-28. Review status: criteria provided, single submitter. Criteria: Ambry Variant Classification Scheme 2023. Collection method: clinical testing. Allele origin: germline.
Comment: The c.1224+3A>T intronic alteration results from an A to T substitution 3 nucleotides after coding exon 2 of the ZIC3 gene. This variant was not reported in population-based cohorts in the Genome Aggregation Database (gnomAD). This nucleotide position is highly conserved in available vertebrate species. In silico splice site analysis predicts that this alteration may weaken the native splice donor site. Based on insufficient or conflicting evidence, the clinical significance of this alteration remains unclear.

NM_003413.4(ZIC3):c.1224+3A>T

Gene: ZIC3 (Zic family zinc finger 3; plus strand). Cytogenetic location: Xq26.3.
Variant type: single nucleotide variant.
Coding change: c.1224+3A>T on transcript NM_003413.4 (MANE Select); 3 bases into the intron after coding-DNA position 1224, A replaced by T.
Molecular consequence: intron variant.
Genome position (GRCh38, 1-based): chrX:137,569,068, A>T. VCF-style: chrX-137569068-A-T. GRCh37 (hg19) VCF-style: chrX-136651227-A-T.
Other names: c.1224+3A>T (NM_001330661.1).
Identifiers: ClinVar variation 4205902 (VCV004205902.1).
Genomic context (GRCh38, chrX:137,569,068, plus strand): 5'-CTGCAAAGTGTGCGACAAGTCCTACACGCACCCGAGCTCCCTGCGCAAACACATGAAGGT[A>T]ATTACCTCTTTATTAGCGGTCGGCGGTTTGTAAACACTCGGCCCGACGCCGGGCCGCGGA-3'